The following is an entry in ClinVar:

NM_003051.4(SLC16A1):c.1101C>T (p.Phe367=)

Gene: SLC16A1 (solute carrier family 16 member 1; minus strand). Cytogenetic location: 1p13.2.
Variant type: single nucleotide variant.
Coding change: c.1101C>T on transcript NM_003051.4 (MANE Select); coding-DNA position 1101, C replaced by T.
Protein change: p.Phe367=; no amino-acid change (phenylalanine 367 retained).
Molecular consequence: synonymous variant.
Genome position (GRCh38, 1-based): chr1:112,917,305, G>A on the plus strand (C>T on the coding strand, the complement: SLC16A1 is on the minus strand). VCF-style: chr1-112917305-G-A. GRCh37 (hg19) VCF-style: chr1-113459927-G-A.
Other names: c.1101C>T, p.Phe367= (NM_001166496.2).
Identifiers: ClinVar variation 2638998 (VCV002638998.27), dbSNP rs150299630, ClinGen allele CA1011330.

ClinVar aggregate classification (germline): Likely benign. Review status: criteria provided, multiple submitters, no conflicts (2 of 4 stars). 2 submissions from 2 submitters: Likely benign (2). Last evaluated 2025-05-05.

Allele frequency attached by ClinVar (database versions not stated): gnomAD exomes 0.00001; ExAC 0.00002; gnomAD 0.00003; TOPMed 0.00005; ESP Exome Variant Server 0.00015.
gnomAD v4.1: 24 of 1,614,048 alleles (0.0015%); highest among the groups gnomAD compares: African/African-American, 0.011%; no homozygotes.

Submissions (2):

Labcorp Genetics (formerly Invitae), Labcorp
Classification: Likely benign. Last evaluated: 2025-05-05. Review status: criteria provided, single submitter. Criteria: Invitae Variant Classification Sherloc (09022015). Collection method: clinical testing. Allele origin: germline.

CeGaT Center for Human Genetics Tuebingen
Classification: Likely benign. Last evaluated: 2022-08-01. Review status: criteria provided, single submitter. Criteria: CeGaT Center For Human Genetics Tuebingen Variant Classification Criteria Version 2. Collection method: clinical testing. Allele origin: germline. Affected: yes. Observed: 1 variant allele.
Comment: SLC16A1: BP4, BP7